The following is an entry in ClinVar:

NM_021076.4(NEFH):c.465_469dup (p.Val157fs)

Gene: NEFH (neurofilament heavy chain; plus strand). Cytogenetic location: 22q12.2.
Variant type: Microsatellite.
Coding change: c.465_469dup on transcript NM_021076.4 (MANE Select); coding-DNA positions 465 to 469, 5 bases duplicated (CGCGG; older notation c.465_469dupCGCGG).
Protein change: p.Val157fs; shifts the reading frame from valine 157.
Molecular consequence: frameshift variant.
Genome position (GRCh38, 1-based): chr22:29,480,727-29,480,731, CGCGG duplicated; duplicating any 5 consecutive bases within chr22:29,480,721-29,480,731 gives the same sequence; the c. name uses the placement nearest the transcript's 3' end. VCF-style (leftmost placement, unchanged base first): chr22-29480720-T-TGCGCG. GRCh37 (hg19) VCF-style: chr22-29876709-T-TGCGCG.
Other names: short protein forms V157fs.
Identifiers: ClinVar variation 3657623 (VCV003657623.2).

ClinVar aggregate classification (germline): Uncertain significance (1 of 4 stars; one submission).

Submission:

Labcorp Genetics (formerly Invitae), Labcorp
Classification: Uncertain significance. Last evaluated: 2024-06-24. Review status: criteria provided, single submitter. Criteria: Invitae Variant Classification Sherloc (09022015). Collection method: clinical testing. Allele origin: germline.
Comment: This sequence change creates a premature translational stop signal (p.Val157Alafs*31) in the NEFH gene. It is expected to result in an absent or disrupted protein product. However, the current clinical and genetic evidence is not sufficient to establish whether loss-of-function variants in NEFH cause disease. This variant is present in population databases (no rsID available, gnomAD 0.007%). This variant has not been reported in the literature in individuals affected with NEFH-related conditions. In summary, the available evidence is currently insufficient to determine the role of this variant in disease. Therefore, it has been classified as a Variant of Uncertain Significance.